The following is an entry in ClinVar:

ClinVar aggregate classification (germline): Uncertain significance (1 of 4 stars; one submission).

Submission:

ISCA site 4
Classification: Uncertain significance. Last evaluated: 2011-08-12. Review status: criteria provided, single submitter. Criteria: Kaminsky et al. (Genet Med. 2011). Collection method: clinical testing. Allele origin: paternal. Affected: yes. Observed: 1 variant allele.
Comment: Copy number variation identified through the course of routine clinical cytogenomic testing in postnatal populations. Clinical assertions have been curated as described in Kaminsky et al. 2011.

GRCh38/hg38 7p21.1-15.3(chr7:20733453-20954082)x1

Genes: ABCB5 (ATP binding cassette subfamily B member 5; plus strand), LINC01162 (long intergenic non-protein coding RNA 1162; plus strand), SP8 (Sp8 transcription factor; minus strand), LOC110120786 (VISTA enhancer hs844; plus strand), LOC110120964 (VISTA enhancer hs1019; plus strand) and 4 more. Cytogenetic location: 7p21.1-15.3.
Variant type: copy number loss.
Change: copy number 1 (one copy instead of two) of chr7:20,733,453-20,954,082 (220.6 kb, GRCh38 coordinates, 1-based), cytogenetic band 7p21.1-15.3.
Identifiers: ClinVar variation 57473 (VCV000057473.1).